The following is an entry in ClinVar:

ClinVar aggregate classification (germline): Uncertain significance (1 of 4 stars; one submission).

Conditions:
Ectodermal dysplasia 11A, hypohidrotic/hair/tooth type, autosomal dominant. Identifiers: Orphanet 1810, Orphanet 238468, MedGen C3541517, MONDO:0013982, OMIM 614940.
Ectodermal dysplasia 11B, hypohidrotic/hair/tooth type, autosomal recessive. Identifiers: Orphanet 238468, Orphanet 248, MedGen C3539920, MONDO:0013983, OMIM 614941.

Allele frequency attached by ClinVar (database versions not stated): ExAC 0.00001; gnomAD 0.00001; gnomAD exomes 0.00002; TOPMed 0.00002.
gnomAD v4.1: 12 of 1,613,472 alleles (0.00074%); highest among the groups gnomAD compares: Admixed American, 0.0067%; no homozygotes.

Submission:

Labcorp Genetics (formerly Invitae), Labcorp
Classification: Uncertain significance for Ectodermal dysplasia 11B, hypohidrotic/hair/tooth type, autosomal recessive; Ectodermal dysplasia 11A, hypohidrotic/hair/tooth type, autosomal dominant. Last evaluated: 2022-06-27. Review status: criteria provided, single submitter. Criteria: Invitae Variant Classification Sherloc (09022015). Collection method: clinical testing. Allele origin: germline.
Comment: This sequence change replaces aspartic acid, which is acidic and polar, with asparagine, which is neutral and polar, at codon 190 of the EDARADD protein (p.Asp190Asn). This variant is present in population databases (rs748587639, gnomAD 0.01%). This variant has not been reported in the literature in individuals affected with EDARADD-related conditions. ClinVar contains an entry for this variant (Variation ID: 1055040). Algorithms developed to predict the effect of missense changes on protein structure and function are either unavailable or do not agree on the potential impact of this missense change (SIFT: "Deleterious"; PolyPhen-2: "Probably Damaging"; Align-GVGD: "Class C15"). In summary, the available evidence is currently insufficient to determine the role of this variant in disease. Therefore, it has been classified as a Variant of Uncertain Significance.

NM_145861.4(EDARADD):c.568G>A (p.Asp190Asn)

Gene: EDARADD (EDAR associated via death domain; plus strand). Cytogenetic location: 1q43.
Variant type: single nucleotide variant.
Coding change: c.568G>A on transcript NM_145861.4 (MANE Select); coding-DNA position 568, G replaced by A.
Protein change: p.Asp190Asn; replaces aspartic acid 190 with asparagine.
Molecular consequence: missense variant.
Genome position (GRCh38, 1-based): chr1:236,482,569, G>A. VCF-style: chr1-236482569-G-A. GRCh37 (hg19) VCF-style: chr1-236645869-G-A.
Other names: c.502G>A, p.Asp168Asn (NM_001422628.1); c.538G>A, p.Asp180Asn (NM_080738.5); short protein forms D180N, D190N, D168N.
Identifiers: ClinVar variation 1055040 (VCV001055040.9), dbSNP rs748587639, ClinGen allele CA1470097.